The following is an entry in ClinVar:

NM_020458.4(TTC7A):c.1803-6C>A

Gene: TTC7A (tetratricopeptide repeat domain 7A; plus strand). Cytogenetic location: 2p21.
Variant type: single nucleotide variant.
Coding change: c.1803-6C>A on transcript NM_020458.4 (MANE Select); 6 bases into the intron before coding-DNA position 1803, C replaced by A.
Molecular consequence: intron variant.
Genome position (GRCh38, 1-based): chr2:47,046,309, C>A. VCF-style: chr2-47046309-C-A. GRCh37 (hg19) VCF-style: chr2-47273448-C-A.
Other names: c.1701-6C>A (NM_001288953.2); c.1803-6C>A (NM_001288951.2); c.741-6C>A (NM_001288955.2).
Identifiers: ClinVar variation 3044533 (VCV003044533.4), dbSNP rs1366036526, ClinGen allele CA532335358.
Genomic context (GRCh38, chr2:47,046,309, plus strand): 5'-GCAGGATCCCCAGGTGAAAGTGGGCCCTTGCTGGGGTGTGCTGATGGCCACTCTCCGTCC[C>A]CACAGCCTGATGTTCACCAAGGTGAAGCTGGAGCAGGTGCTGAAAGGCCCAGAGGAAGCC-3'

ClinVar aggregate classification (germline): Likely benign. Review status: criteria provided, single submitter (1 of 4 stars). 2 submissions from 2 submitters: Likely benign (1). 1 of the submissions does not count toward it. Last evaluated 2025-09-16.

Conditions:
Multiple gastrointestinal atresias. Also called: FAMILIAL INTESTINAL POLYATRESIA SYNDROME; Multiple intestinal atresia. Identifiers: Orphanet 2300, MedGen C0220744, MONDO:0009465.
TTC7A-related disorder. Also called: TTC7A-related condition.

Allele frequency attached by ClinVar (database versions not stated): gnomAD 0.00001.
gnomAD v4.1: 7 of 1,612,896 alleles (0.00043%); highest among the groups gnomAD compares: African/African-American, 0.0027%; no homozygotes.

Submissions (2):

Labcorp Genetics (formerly Invitae), Labcorp
Classification: Likely benign for Multiple gastrointestinal atresias. Last evaluated: 2025-09-16. Review status: criteria provided, single submitter. Criteria: Invitae Variant Classification Sherloc (09022015). Collection method: clinical testing. Allele origin: germline.

PreventionGenetics, part of Exact Sciences
Classification: Likely benign for TTC7A-related condition. Last evaluated: 2019-05-30. Review status: no assertion criteria provided. Collection method: clinical testing. Allele origin: germline. Not counted in ClinVar's aggregate classification.
Comment: This variant is classified as likely benign based on ACMG/AMP sequence variant interpretation guidelines (Richards et al. 2015 PMID: 25741868, with internal and published modifications).